The following is an entry in ClinVar:

NM_015915.5(ATL1):c.1651G>T (p.Glu551Ter)

Gene: ATL1 (atlastin GTPase 1; plus strand). Cytogenetic location: 14q22.1.
Variant type: single nucleotide variant.
Coding change: c.1651G>T on transcript NM_015915.5 (MANE Select); coding-DNA position 1651, G replaced by T.
Protein change: p.Glu551Ter; replaces glutamic acid 551 with a stop codon.
Molecular consequence: nonsense.
Genome position (GRCh38, 1-based): chr14:50,632,313, G>T. VCF-style: chr14-50632313-G-T. GRCh37 (hg19) VCF-style: chr14-51099031-G-T.
Other names: c.1636G>T, p.Glu546Ter (NM_001127713.1, NM_181598.4); short protein forms E546*, E551*.
Identifiers: ClinVar variation 387815 (VCV000387815.2), dbSNP rs776845057, ClinGen allele CA16606862.

ClinVar aggregate classification (germline): Uncertain significance (1 of 4 stars; one submission).

gnomAD v4.1: 1 of 1,612,324 alleles (0.000062%); highest among the groups gnomAD compares: Non-Finnish European, 0.000085%; no homozygotes.

Submission:

GeneDx
Classification: Uncertain significance. Last evaluated: 2016-07-15. Review status: criteria provided, single submitter. Criteria: GeneDx Variant Classification (06012015). Collection method: clinical testing. Allele origin: germline. Affected: yes.
Comment: A variant of uncertain significance has been identified in the ATL1 gene. The E551X variant has not been publishedas a pathogenic variant, nor has it been reported as a benign variant to our knowledge. It was not observed inapproximately 6,500 individuals of European and African American ancestry in the NHLBI Exome SequencingProject, indicating it is not a common benign variant in these populations The E551X nonsense variant may causeloss of normal protein function through protein truncation, as the last 8 amino acids of the ATL1 protein are lost.However, the consequence of losing the last 8 amino acids of this protein is currently unknown. Therefore, based onthe currently available information, it is unclear whether this variant is a pathogenic variant or a rare benign variant.